The following is an entry in ClinVar:

NM_001273.5(CHD4):c.2090T>C (p.Leu697Ser)

Gene: CHD4 (chromodomain helicase DNA binding protein 4; minus strand). Cytogenetic location: 12p13.31.
Variant type: single nucleotide variant.
Coding change: c.2090T>C on transcript NM_001273.5 (MANE Select); coding-DNA position 2090, T replaced by C.
Protein change: p.Leu697Ser; replaces leucine 697 with serine.
Molecular consequence: missense variant.
Genome position (GRCh38, 1-based): chr12:6,595,365, A>G on the plus strand (T>C on the coding strand, the complement: CHD4 is on the minus strand). VCF-style: chr12-6595365-A-G. GRCh37 (hg19) VCF-style: chr12-6704531-A-G.
Other names: c.2069T>C, p.Leu690Ser (NM_001297553.2); c.2051T>C, p.Leu684Ser (NM_001363606.2); short protein forms L684S, L690S, L697S.
Identifiers: ClinVar variation 4685365 (VCV004685365.1).

ClinVar aggregate classification (germline): Uncertain significance (1 of 4 stars; one submission).

gnomAD v4.1: 2 of 1,613,988 alleles (0.00012%); highest among the groups gnomAD compares: African/African-American, 0.0013%; no homozygotes.

Submission:

GeneDx
Classification: Uncertain significance. Last evaluated: 2025-07-09. Review status: criteria provided, single submitter. Criteria: GeneDx Variant Classification Process June 2021. Collection method: clinical testing. Allele origin: germline. Affected: yes.
Comment: Not observed at significant frequency in large population cohorts (gnomAD); In silico analysis suggests that this missense variant does not alter protein structure/function; Has not been previously published as pathogenic or benign to our knowledge